The following is an entry in ClinVar:

ClinVar aggregate classification (germline): Uncertain significance (1 of 4 stars; one submission).

Allele frequency attached by ClinVar (database versions not stated): gnomAD exomes below 0.00001; gnomAD 0.00001; TOPMed 0.00001.
gnomAD v4.1: 2 of 1,604,648 alleles (0.00012%); highest among the groups gnomAD compares: Non-Finnish European, 0.00017%; no homozygotes.

Submission:

Ambry Genetics
Classification: Uncertain significance. Last evaluated: 2024-11-25. Review status: criteria provided, single submitter. Criteria: Ambry Variant Classification Scheme 2023. Collection method: clinical testing. Allele origin: germline.
Comment: The p.A537G variant (also known as c.1610C>G), located in coding exon 7 of the WNK2 gene, results from a C to G substitution at nucleotide position 1610. The alanine at codon 537 is replaced by glycine, an amino acid with similar properties. This amino acid position is conserved. In addition, the in silico prediction for this alteration is inconclusive. Based on the available evidence, the clinical significance of this variant remains unclear.

NM_006648.4(WNK2):c.1610C>G (p.Ala537Gly)

Gene: WNK2 (WNK lysine deficient protein kinase 2; plus strand). Cytogenetic location: 9q22.31.
Variant type: single nucleotide variant.
Coding change: c.1610C>G on transcript NM_006648.4 (MANE Select); coding-DNA position 1610, C replaced by G.
Protein change: p.Ala537Gly; replaces alanine 537 with glycine.
Molecular consequence: missense variant.
Genome position (GRCh38, 1-based): chr9:93,247,610, C>G. VCF-style: chr9-93247610-C-G. GRCh37 (hg19) VCF-style: chr9-96009892-C-G.
Other names: c.1610C>G, p.Ala537Gly (NM_001282394.3); short protein forms A537G.
Identifiers: ClinVar variation 2614042 (VCV002614042.3), dbSNP rs1009895513, ClinGen allele CA196415443.
Genomic context (GRCh38, chr9:93,247,610, plus strand): 5'-CTGGATTCTTCCACGAGAGTGACGTCAAGATCGTGGCCAAGTCCATCCGTGACCGCGTGG[C>G]CTTGATCCAGTGGCGGCGGGAGAGGATCTGGCCCGCGCTGCAGCCCAAGGAGCAGCAGGA-3'
Protein context (NP_006639.3, residues 527-547): IVAKSIRDRV[Ala537Gly]LIQWRRERIW